The following is an entry in ClinVar:

NC_000003.12:g.(?_10146504)_(10150035_?)del

Gene: VHL (von Hippel-Lindau tumor suppressor; plus strand). Cytogenetic location: 3p25.3.
Variant type: Deletion.
Identifiers: ClinVar variation 3246836 (VCV003246836.1).

ClinVar aggregate classification (germline): Pathogenic (1 of 4 stars; one submission).

Conditions:
Chuvash polycythemia. Also called: POLYCYTHEMIA, VHL-DEPENDENT. Identifiers: Orphanet 238557, MedGen C1837915, MONDO:0009892, OMIM 263400.
Von Hippel-Lindau syndrome (VHLS). Also called: VHL syndrome; Von Hippel-Lindau; von Hippel–Lindau syndrome. Identifiers: Orphanet 892, MedGen C0019562, MONDO:0008667, OMIM 193300. Disease mechanism: loss of function.

Submission:

Labcorp Genetics (formerly Invitae), Labcorp
Classification: Pathogenic for Von Hippel-Lindau syndrome; Chuvash polycythemia. Last evaluated: 2023-08-23. Review status: criteria provided, single submitter. Criteria: Invitae Variant Classification Sherloc (09022015). Collection method: clinical testing. Allele origin: unknown.
Comment: This variant is a gross deletion of the genomic region encompassing exon(s) 2-3 of the VHL gene, which includes the termination codon. This deletion extends beyond the assayed region for this gene and therefore may encompass additional genes. While this deletion is not anticipated to lead to nonsense mediated decay, it is expected to alter mRNA translation or result in a truncated protein product. A similar copy number variant has been observed in individuals with von Hippel-Lindau (VHL) syndrome (PMID: 12114495, 17661816, 19336503, 19764026). For these reasons, this variant has been classified as Pathogenic. This variant disrupts the p.Leu188 amino acid residue in VHL. Other variant(s) that disrupt this residue have been determined to be pathogenic (PMID: 7563486, 7987306, 8772572, 11331612, 16452184, 18567581, 23772956). This suggests that this residue is clinically significant, and that variants that disrupt this residue are likely to be disease-causing.

Literature cited by the submitters: PubMed 12114495; PubMed 17661816; PubMed 19336503; PubMed 19764026; PubMed 7563486; PubMed 7987306; PubMed 8772572; PubMed 11331612; PubMed 16452184; PubMed 18567581; PubMed 23772956.